The following is an entry in ClinVar:

NM_000245.4(MET):c.4150G>A (p.Ala1384Thr)

Gene: MET (MET proto-oncogene, receptor tyrosine kinase; plus strand). Cytogenetic location: 7q31.2.
Variant type: single nucleotide variant.
Coding change: c.4150G>A on transcript NM_000245.4 (MANE Select); coding-DNA position 4150, G replaced by A.
Protein change: p.Ala1384Thr; replaces alanine 1384 with threonine.
Molecular consequence: missense variant.
Genome position (GRCh38, 1-based): chr7:116,796,101, G>A. VCF-style: chr7-116796101-G-A. GRCh37 (hg19) VCF-style: chr7-116436155-G-A.
Other names: p.Ala1402Thr; c.4204G>A (LRG_662t1, NM_001127500.2); c.4204G>A, p.Ala1402Thr (NM_001127500.3); c.2860G>A, p.Ala954Thr (NM_001324402.2); short protein forms A1402T, A1384T, A954T.
Identifiers: ClinVar variation 411906 (VCV000411906.22), dbSNP rs758486336, ClinGen allele CA4448838.

ClinVar aggregate classification (germline): Conflicting classifications of pathogenicity. Review status: criteria provided, conflicting classifications (1 of 4 stars). 9 submissions from 9 submitters: Uncertain significance (7); Likely benign (2). Last evaluated 2026-05-26.

Conditions:
Papillary renal cell carcinoma type 1 (RCCP1). Also called: RENAL CELL CARCINOMA, PAPILLARY, 1, SOMATIC; Renal adenocarcinoma; Renal cell carcinoma 1; Renal cell carcinoma, somatic. Identifiers: Orphanet 47044, MedGen C1336839, OMIM 605074, HP:0011797.
Osteofibrous dysplasia (OSFD). Also called: Tibia, bowing of, with pseudarthrosis and pectus excavatum. Identifiers: Orphanet 488265, MedGen C4085248, MONDO:0011806, OMIM 607278.
Arthrogryposis, distal, IIa 11. Also called: Arthrogryposis, distal, type 11. Identifiers: MedGen C5774205, MONDO:0031045, OMIM 620019.
Autosomal recessive nonsyndromic hearing loss 97. Also called: Deafness, autosomal recessive 97. Identifiers: Orphanet 90636, MedGen C4084709, MONDO:0014739, OMIM 616705.
Hepatocellular carcinoma (HCC). Also called: Primary carcinoma of liver; HEPATOMA; LIVER CELL CARCINOMA. Identifiers: Orphanet 88673, MedGen C2239176, MONDO:0007256, OMIM 114550, HP:0001402.
MET-related disorder. Also called: MET-related condition.
Renal cell carcinoma. Identifiers: Orphanet 217071, MedGen C0007134, MeSH D002292, MONDO:0005086, HP:0005584.
Hereditary cancer-predisposing syndrome. Also called: Neoplastic Syndromes, Hereditary; Tumor predisposition; Hereditary Cancer Syndrome; Hereditary neoplastic syndrome. Identifiers: Orphanet 140162, MedGen C0027672, MeSH D009386, MONDO:0015356.

Allele frequency attached by ClinVar (database versions not stated): gnomAD exomes below 0.00001 and 0.00001; ExAC 0.00001.
gnomAD v4.1: 7 of 1,614,124 alleles (0.00043%); no homozygotes.

Submissions (9):

PreventionGenetics, part of Exact Sciences
Classification: Uncertain significance for MET-related condition. Last evaluated: 2026-05-26. Review status: criteria provided, single submitter. Criteria: ACMG Guidelines, 2015. Collection method: clinical testing. Allele origin: germline.
Comment: The MET c.4204G>A variant is predicted to result in the amino acid substitution p.Ala1402Thr. This variant has been reported as uncertain in a cohort study of individuals with thyroid cancer (THCA, Table S10, Yehia et al. 2018. PubMed ID: 29684080). This variant is reported in 0.0093% of alleles in individuals of European (Finnish) descent in gnomAD and has conflicting interpretations in ClinVar, ranging from uncertain to likely benign (Variation ID: 411906). At this time, the clinical significance of this variant is uncertain due to the absence of conclusive functional and genetic evidence.

Labcorp Genetics (formerly Invitae), Labcorp
Classification: Uncertain significance for Renal cell carcinoma. Last evaluated: 2026-01-26. Review status: criteria provided, single submitter. Criteria: Invitae Variant Classification Sherloc (09022015). Collection method: clinical testing. Allele origin: germline.
Comment: This sequence change replaces alanine, which is neutral and non-polar, with threonine, which is neutral and polar, at codon 1402 of the MET protein (p.Ala1402Thr). This variant is present in population databases (rs758486336, gnomAD 0.009%). This variant has not been reported in the literature in individuals affected with MET-related conditions. ClinVar contains an entry for this variant (Variation ID: 411906). Experimental studies and prediction algorithms are not available or were not evaluated, and the functional significance of this variant is currently unknown. In summary, the available evidence is currently insufficient to determine the role of this variant in disease. Therefore, it has been classified as a Variant of Uncertain Significance.

Quest Diagnostics Nichols Institute San Juan Capistrano
Classification: Uncertain significance. Last evaluated: 2025-08-31. Review status: criteria provided, single submitter. Criteria: Quest Diagnostics criteria. Collection method: clinical testing. Allele origin: unknown.

Fulgent Genetics
Classification: Uncertain significance for Hepatocellular carcinoma; Papillary renal cell carcinoma type 1; Osteofibrous dysplasia; Autosomal recessive nonsyndromic hearing loss 97; Arthrogryposis, distal, IIa 11. Last evaluated: 2024-05-15. Review status: criteria provided, single submitter. Criteria: ACMG Guidelines, 2015. Collection method: clinical testing. Allele origin: germline.

Mayo Clinic Laboratories, Mayo Clinic
Classification: Uncertain significance. Last evaluated: 2024-04-04. Review status: criteria provided, single submitter. Criteria: ACMG Guidelines, 2015. Collection method: clinical testing. Allele origin: germline. Observed: 1 variant allele.
Comment: PM2_moderate

GeneDx
Classification: Uncertain significance. Last evaluated: 2023-11-19. Review status: criteria provided, single submitter. Criteria: GeneDx Variant Classification Process June 2021. Collection method: clinical testing. Allele origin: germline.
Comment: Not observed at significant frequency in large population cohorts (gnomAD); In silico analysis supports that this missense variant does not alter protein structure/function; Observed in an individual with thyroid cancer in published literature (PMID: 29684080); This variant is associated with the following publications: (PMID: 29684080)

Blueprint Genetics
Classification: Likely benign. Last evaluated: 2023-10-05. Review status: criteria provided, single submitter. Criteria: ACMG Guidelines, 2015. Collection method: clinical testing. Allele origin: germline.

Baylor Genetics
Classification: Uncertain significance for Autosomal recessive nonsyndromic hearing loss 97. Last evaluated: 2023-08-09. Review status: criteria provided, single submitter. Criteria: ACMG Guidelines, 2015. Collection method: clinical testing. Allele origin: unknown.

Ambry Genetics
Classification: Likely benign for Hereditary cancer-predisposing syndrome. Last evaluated: 2022-11-30. Review status: criteria provided, single submitter. Criteria: Ambry Variant Classification Scheme 2023. Collection method: clinical testing. Allele origin: germline.

Literature cited by the submitters: PubMed 29684080 (cited by Ambry Genetics).